The following is an entry in ClinVar:

NM_001348323.3(TRIP12):c.603T>A (p.Ser201Arg)

Gene: TRIP12 (thyroid hormone receptor interactor 12; minus strand). Cytogenetic location: 2q36.3.
Variant type: single nucleotide variant.
Coding change: c.603T>A on transcript NM_001348323.3 (MANE Select); coding-DNA position 603, T replaced by A.
Protein change: p.Ser201Arg; replaces serine 201 with arginine.
Molecular consequence: missense variant. On other transcripts: intron variant (1).
Genome position (GRCh38, 1-based): chr2:229,859,196, A>T on the plus strand (T>A on the coding strand, the complement: TRIP12 is on the minus strand). VCF-style: chr2-229859196-A-T. GRCh37 (hg19) VCF-style: chr2-230723912-A-T.
Other names: c.603T>A, p.Ser201Arg (NM_001284214.2, NM_001348315.2, NM_001348319.1 and 15 more transcripts); c.477T>A, p.Ser159Arg (NM_001284215.2, NM_001348316.2, NM_001348317.1 and 3 more transcripts); c.98+20786T>A (NM_001284216.2); short protein forms S159R, S201R.
Identifiers: ClinVar variation 4077325 (VCV004077325.1).

ClinVar aggregate classification (germline): Uncertain significance (1 of 4 stars; one submission).

Submission:

GeneDx
Classification: Uncertain significance. Last evaluated: 2025-02-27. Review status: criteria provided, single submitter. Criteria: GeneDx Variant Classification Process June 2021. Collection method: clinical testing. Allele origin: germline. Affected: yes.
Comment: Not observed at significant frequency in large population cohorts (gnomAD); In silico analysis supports that this missense variant has a deleterious effect on protein structure/function; Has not been previously published as pathogenic or benign to our knowledge